The following is an entry in ClinVar:

NM_005902.4(SMAD3):c.207-26779C>T

Gene: SMAD3 (SMAD family member 3; plus strand). Cytogenetic location: 15q22.33.
Variant type: single nucleotide variant.
Coding change: c.207-26779C>T on transcript NM_005902.4 (MANE Select); 26779 bases into the intron before coding-DNA position 207, C replaced by T.
Molecular consequence: intron variant.
Genome position (GRCh38, 1-based): chr15:67,138,116, C>T. VCF-style: chr15-67138116-C-T. GRCh37 (hg19) VCF-style: chr15-67430454-C-T.
Other names: c.-110+12132C>T (NM_001145102.2); c.74+16C>T (NM_001145103.2).
Identifiers: ClinVar variation 213756 (VCV000213756.9), dbSNP rs539491144, ClinGen allele CA062001.
Genomic context (GRCh38, chr15:67,138,116, plus strand): 5'-GAAAGGCGCAGCTCTGGTACACCGGAAAGCATGGTGGATGGGGAGGTAGGAGCCCCGTGC[C>T]GGGACATGTCTTTTCTCTTTCTTGAACTCGTCTCCCCACCCGTCCACAGGGTTGCTGGCC-3'

ClinVar aggregate classification (germline): Benign/Likely benign. Review status: criteria provided, multiple submitters, no conflicts (2 of 4 stars). 3 submissions from 3 submitters: Benign (1); Likely benign (2). Last evaluated 2024-08-21.

Conditions:
Aneurysm-osteoarthritis syndrome. Also called: SMAD3-Related Loeys-Dietz Syndrome; ANEURYSMS-OSTEOARTHRITIS SYNDROME; Loeys-Dietz syndrome, type 1C; LOEYS-DIETZ SYNDROME WITH OSTEOARTHRITIS. Identifiers: Orphanet 284984, MedGen C3151087, MONDO:0013426, OMIM 613795.

Allele frequency attached by ClinVar (database versions not stated): ExAC 0.00025; gnomAD 0.00034 and 0.00037; gnomAD exomes 0.00038 and 0.00094; TOPMed 0.00042.
gnomAD v4.1: 1,326 of 1,543,206 alleles (0.086%); highest among the groups gnomAD compares: Non-Finnish European, 0.11%; 1 homozygote.

Submissions (3):

Blueprint Genetics
Classification: Likely benign. Last evaluated: 2024-08-21. Review status: criteria provided, single submitter. Criteria: ACMG Guidelines, 2015. Collection method: clinical testing. Allele origin: germline.

ARUP Laboratories, Molecular Genetics and Genomics, ARUP Laboratories
Classification: Likely benign for Aneurysm-osteoarthritis syndrome. Last evaluated: 2021-09-13. Review status: criteria provided, single submitter. Criteria: ARUP Molecular Germline Variant Investigation Process 2021. Collection method: clinical testing. Allele origin: germline.

GeneDx
Classification: Benign. Last evaluated: 2015-05-01. Review status: criteria provided, single submitter. Criteria: GeneDx Variant Classification (06012015). Collection method: clinical testing. Allele origin: germline. Affected: yes.
Comment: This variant is considered likely benign or benign based on one or more of the following criteria: it is a conservative change, it occurs at a poorly conserved position in the protein, it is predicted to be benign by multiple in silico algorithms, and/or has population frequency not consistent with disease.